The following is an entry in ClinVar:

ClinVar aggregate classification (germline): Uncertain significance (1 of 4 stars; one submission).

Conditions:
Dilated cardiomyopathy 1AA (CMD1AA). Also called: Cardiomyopathy, dilated, 1AA, with or without LVNC; CARDIOMYOPATHY, DILATED, 1AA, WITH OR WITHOUT LEFT VENTRICULAR NONCOMPACTION; CARDIOMYOPATHY, FAMILIAL HYPERTROPHIC, 23, WITH OR WITHOUT LEFT VENTRICULAR NONCOMPACTION. Identifiers: Orphanet 154, MedGen C2677338, MONDO:0012808, OMIM 612158.
Primary familial hypertrophic cardiomyopathy (HCM). Identifiers: Orphanet 99739, MedGen C0949658, MeSH D024741, MONDO:0024573. Inheritance: Various modes of inheritance.

Submission:

Labcorp Genetics (formerly Invitae), Labcorp
Classification: Uncertain significance for Primary familial hypertrophic cardiomyopathy; Dilated cardiomyopathy 1AA. Last evaluated: 2025-05-01. Review status: criteria provided, single submitter. Criteria: Invitae Variant Classification Sherloc (09022015). Collection method: clinical testing. Allele origin: germline.
Comment: This sequence change replaces glutamic acid, which is acidic and polar, with glycine, which is neutral and non-polar, at codon 421 of the ACTN2 protein (p.Glu421Gly). This variant is not present in population databases (gnomAD no frequency). This variant has not been reported in the literature in individuals affected with ACTN2-related conditions. ClinVar contains an entry for this variant (Variation ID: 1513330). Invitae Evidence Modeling of protein sequence and biophysical properties (such as structural, functional, and spatial information, amino acid conservation, physicochemical variation, residue mobility, and thermodynamic stability) indicates that this missense variant is not expected to disrupt ACTN2 protein function with a negative predictive value of 80%. In summary, the available evidence is currently insufficient to determine the role of this variant in disease. Therefore, it has been classified as a Variant of Uncertain Significance.

NM_001103.4(ACTN2):c.1262A>G (p.Glu421Gly)

Gene: ACTN2 (actinin alpha 2; plus strand). Cytogenetic location: 1q43.
Variant type: single nucleotide variant.
Coding change: c.1262A>G on transcript NM_001103.4 (MANE Select); coding-DNA position 1262, A replaced by G.
Protein change: p.Glu421Gly; replaces glutamic acid 421 with glycine.
Molecular consequence: missense variant.
Genome position (GRCh38, 1-based): chr1:236,744,632, A>G. VCF-style: chr1-236744632-A-G. GRCh37 (hg19) VCF-style: chr1-236907932-A-G.
Other names: c.1262A>G, p.Glu421Gly (NM_001278343.2); c.638A>G, p.Glu213Gly (NM_001278344.2); short protein forms E213G, E421G.
Identifiers: ClinVar variation 1513330 (VCV001513330.8), dbSNP rs2102929760, ClinGen allele CA345382604.
Genomic context (GRCh38, chr1:236,744,632, plus strand): 5'-AGGAAGCCGCTGTGCCCTCAGCATATTCATACTTTCTTGCTACCACCTTTGCAGGCAAAG[A>G]GCAGATCTTGCTGCAGAAGGATTACGAGTCGGCGTCGCTGACAGAGGTGCGGGCTCTGCT-3'
Protein context (NP_001094.1, residues 411-431): STHETWAYGK[Glu421Gly]QILLQKDYES